The following is an entry in ClinVar:

NM_031844.3(HNRNPU):c.625C>T (p.Gln209Ter)

Gene: HNRNPU (heterogeneous nuclear ribonucleoprotein U; minus strand). Cytogenetic location: 1q44.
Variant type: single nucleotide variant.
Coding change: c.625C>T on transcript NM_031844.3 (MANE Select); coding-DNA position 625, C replaced by T.
Protein change: p.Gln209Ter; replaces glutamine 209 with a stop codon.
Molecular consequence: nonsense.
Genome position (GRCh38, 1-based): chr1:244,863,683, G>A on the plus strand (C>T on the coding strand, the complement: HNRNPU is on the minus strand). VCF-style: chr1-244863683-G-A. GRCh37 (hg19) VCF-style: chr1-245026985-G-A.
Other names: c.625C>T, p.Gln209Ter (NM_004501.3); c.625C>T (NM_031844.2); short protein forms Q209*.
Identifiers: ClinVar variation 3897867 (VCV003897867.2).

ClinVar aggregate classification (germline): Pathogenic. Review status: criteria provided, multiple submitters, no conflicts (2 of 4 stars). 2 submissions from 2 submitters: Pathogenic (2). Last evaluated 2025-10-09.

Conditions:
Inborn genetic diseases. Identifiers: MedGen C0950123, MeSH D030342.
Developmental and epileptic encephalopathy, 54. Also called: Epileptic encephalopathy, early infantile, 54; HNRNPU-Related Neurodevelopmental Disorder. Identifiers: MedGen C4479319, MONDO:0033363, OMIM 617391.

Submissions (2):

Ambry Genetics
Classification: Pathogenic for Inborn genetic diseases. Last evaluated: 2025-10-09. Review status: criteria provided, single submitter. Criteria: Ambry Variant Classification Scheme 2023. Collection method: clinical testing. Allele origin: germline.
Comment: The c.625C>T (p.Q209*) alteration, located in exon 1 (coding exon 1) of the HNRNPU gene, consists of a C to T substitution at nucleotide position 625. This changes the amino acid from a glutamine (Q) to a stop codon at amino acid position 209. This alteration is expected to result in loss of function by premature protein truncation or nonsense-mediated mRNA decay. This variant was not reported in population-based cohorts in the Genome Aggregation Database (gnomAD). Based on the available evidence, this alteration is classified as pathogenic.

Center of Human Genetics, Hôpital Erasme
Classification: Pathogenic for Developmental and epileptic encephalopathy, 54. Last evaluated: 2025-01-01. Review status: criteria provided, single submitter. Criteria: ACMG Guidelines, 2015. Collection method: clinical testing. Allele origin: de novo. Affected: yes.